The following is an entry in ClinVar:

NM_007294.4(BRCA1):c.3360dup (p.Asn1121Ter)

Genes: BRCA1 (BRCA1 DNA repair associated; minus strand), LOC126862571 (BRD4-independent group 4 enhancer GRCh37_chr17:41243136-41244335; plus strand). Cytogenetic location: 17q21.31.
Variant type: Duplication.
Coding change: c.3360dup on transcript NM_007294.4 (MANE Select); coding-DNA position 3360, one base duplicated (T; older notation c.3360dupT).
Protein change: p.Asn1121Ter; replaces asparagine 1121 with a stop codon.
Molecular consequence: nonsense. On other transcripts: frameshift variant (1), intron variant (137).
Genome position (GRCh38, 1-based): chr17:43,092,171, A duplicated on the plus strand (T on the coding strand, the reverse complement: BRCA1 is on the minus strand); the first of 2 consecutive A bases (chr17:43,092,171-43,092,172); duplicating either gives the same sequence. VCF-style (leftmost placement, unchanged base first): chr17-43092170-T-TA. GRCh37 (hg19) VCF-style: chr17-41244187-T-TA.
Other names: 3470insT-ter1121; c.3360dup, p.Asn1121Ter (NM_007294.3, NM_001407616.1, NM_001407617.1 and 31 more transcripts); c.3357dup, p.Asn1120Ter (NM_001407614.1, NM_001407615.1, NM_001407627.1 and 22 more transcripts); c.3351dup, p.Asn1118Ter (NM_001407646.1, NM_001407647.1); c.3237dup, p.Asn1080Ter (NM_001407648.1, NM_001407664.1, NM_001407665.1 and 19 more transcripts); c.3234dup, p.Asn1079Ter (NM_001407649.1, NM_001407670.1, NM_001407671.1 and 11 more transcripts); c.3282dup, p.Asn1095Ter (NM_001407653.1, NM_001407654.1, NM_001407655.1 and 4 more transcripts); c.3279dup, p.Asn1094Ter (NM_001407659.1, NM_001407660.1, NM_001407661.1 and 1 more transcripts); and 42 more; short protein forms N1074*, N1121*, N1051*, N1053*, N1080*, N1095*, N1118*, N993*.
Identifiers: ClinVar variation 266360 (VCV000266360.6), dbSNP rs886040120, ClinGen allele CA10589763.

ClinVar aggregate classification (germline): Pathogenic. Review status: reviewed by expert panel (3 of 4 stars). 2 submissions from 2 submitters: Pathogenic (1). 1 of the submissions does not count toward it. Last evaluated 2016-10-18.

Conditions:
Breast-ovarian cancer, familial, susceptibility to, 1 (BROVCA1). Also called: BRCA1 Hereditary Breast and Ovarian Cancer; OVARIAN CANCER, SUSCEPTIBILITY TO. Identifiers: Orphanet 145, MedGen C2676676, MONDO:0011450, OMIM 604370. Disease mechanism: loss of function.

Submissions (2):

Evidence-based Network for the Interpretation of Germline Mutant Alleles (ENIGMA)
Classification: Pathogenic for Breast-ovarian cancer, familial, susceptibility to, 1. Last evaluated: 2016-10-18. Review status: reviewed by expert panel. Criteria: ENIGMA BRCA1/2 Classification Criteria (2015). Collection method: curation. Allele origin: germline.
Comment: Variant allele predicted to encode a truncated non-functional protein.

Consortium of Investigators of Modifiers of BRCA1/2 (CIMBA), c/o University of Cambridge
Classification: Pathogenic for Breast-ovarian cancer, familial, susceptibility to, 1. Last evaluated: 2015-10-02. Review status: criteria provided, single submitter. Criteria: CIMBA Mutation Classification guidelines May 2016. Collection method: clinical testing. Allele origin: germline. Not counted in ClinVar's aggregate classification.